The following is an entry in ClinVar:

ClinVar aggregate classification (germline): Likely benign (1 of 4 stars; one submission).

Submission:

CeGaT Center for Human Genetics Tuebingen
Classification: Likely benign. Last evaluated: 2022-11-01. Review status: criteria provided, single submitter. Criteria: CeGaT Center For Human Genetics Tuebingen Variant Classification Criteria Version 2. Collection method: clinical testing. Allele origin: germline. Affected: yes. Observed: 1 variant allele.
Comment: MUC12: PM2:Supporting, BP4, BP7

NM_001164462.2(MUC12):c.13710T>C (p.Arg4570=)

Gene: MUC12 (mucin 12, cell surface associated; plus strand). Cytogenetic location: 7q22.1.
Variant type: single nucleotide variant.
Coding change: c.13710T>C on transcript NM_001164462.2 (MANE Select); coding-DNA position 13710, T replaced by C.
Protein change: p.Arg4570=; no amino-acid change (arginine 4570 retained).
Molecular consequence: synonymous variant.
Genome position (GRCh38, 1-based): chr7:101,004,273, T>C. VCF-style: chr7-101004273-T-C. GRCh37 (hg19) VCF-style: chr7-100647554-T-C.
Identifiers: ClinVar variation 2657824 (VCV002657824.24), dbSNP rs1321136010, ClinGen allele CA456916118.